The following is an entry in ClinVar:

NM_020987.5(ANK3):c.692A>C (p.Glu231Ala)

Gene: ANK3 (ankyrin 3; minus strand). Cytogenetic location: 10q21.2.
Variant type: single nucleotide variant.
Coding change: c.692A>C on transcript NM_020987.5 (MANE Select); coding-DNA position 692, A replaced by C.
Protein change: p.Glu231Ala; replaces glutamic acid 231 with alanine.
Molecular consequence: missense variant.
Genome position (GRCh38, 1-based): chr10:60,263,842, T>G on the plus strand (A>C on the coding strand, the complement: ANK3 is on the minus strand). VCF-style: chr10-60263842-T-G. GRCh37 (hg19) VCF-style: chr10-62023600-T-G.
Other names: c.674A>C, p.Glu225Ala (NM_001204403.2); c.641A>C, p.Glu214Ala (NM_001204404.2); c.692A>C, p.Glu231Ala (NM_001320874.2); short protein forms E214A, E225A, E231A.
Identifiers: ClinVar variation 3602542 (VCV003602542.1).

ClinVar aggregate classification (germline): Uncertain significance (1 of 4 stars; one submission).

Submission:

GeneDx
Classification: Uncertain significance. Last evaluated: 2024-07-31. Review status: criteria provided, single submitter. Criteria: GeneDx Variant Classification Process June 2021. Collection method: clinical testing. Allele origin: germline. Affected: yes.
Comment: Not observed at significant frequency in large population cohorts (gnomAD); In silico analysis supports that this missense variant has a deleterious effect on protein structure/function; Has not been previously published as pathogenic or benign to our knowledge